The following is an entry in ClinVar:

ClinVar aggregate classification (germline): Uncertain significance (1 of 4 stars; one submission).

Conditions:
Hereditary cancer-predisposing syndrome. Also called: Neoplastic Syndromes, Hereditary; Tumor predisposition; Hereditary Cancer Syndrome; Hereditary neoplastic syndrome. Identifiers: Orphanet 140162, MedGen C0027672, MeSH D009386, MONDO:0015356.

Submission:

Ambry Genetics
Classification: Uncertain significance for Hereditary cancer-predisposing syndrome. Last evaluated: 2024-12-04. Review status: criteria provided, single submitter. Criteria: Ambry Variant Classification Scheme 2023. Collection method: clinical testing. Allele origin: germline.
Comment: The p.H339Y variant (also known as c.1015C>T), located in coding exon 10 of the RB1 gene, results from a C to T substitution at nucleotide position 1015. The histidine at codon 339 is replaced by tyrosine, an amino acid with similar properties. This amino acid position is highly conserved in available vertebrate species. In addition, the in silico prediction for this alteration is inconclusive. Based on the available evidence, the clinical significance of this variant remains unclear.

NM_000321.3(RB1):c.1015C>T (p.His339Tyr)

Gene: RB1 (RB transcriptional corepressor 1; plus strand). Cytogenetic location: 13q14.2.
Variant type: single nucleotide variant.
Coding change: c.1015C>T on transcript NM_000321.3 (MANE Select); coding-DNA position 1015, C replaced by T.
Protein change: p.His339Tyr; replaces histidine 339 with tyrosine.
Molecular consequence: missense variant.
Genome position (GRCh38, 1-based): chr13:48,367,569, C>T. VCF-style: chr13-48367569-C-T. GRCh37 (hg19) VCF-style: chr13-48941705-C-T.
Other names: c.1015C>T, p.His339Tyr (NM_001407165.1, NM_001407166.1); short protein forms H339Y.
Identifiers: ClinVar variation 3430926 (VCV003430926.1).